The following is an entry in ClinVar:

NM_000038.6(APC):c.4621C>G (p.Gln1541Glu)

Gene: APC (APC regulator of Wnt signaling pathway; plus strand). Cytogenetic location: 5q22.2.
Variant type: single nucleotide variant.
Coding change: c.4621C>G on transcript NM_000038.6 (MANE Select); coding-DNA position 4621, C replaced by G.
Protein change: p.Gln1541Glu; replaces glutamine 1541 with glutamic acid.
Molecular consequence: missense variant.
Genome position (GRCh38, 1-based): chr5:112,840,215, C>G. VCF-style: chr5-112840215-C-G. GRCh37 (hg19) VCF-style: chr5-112175912-C-G.
Other names: c.4621C>G, p.Gln1541Glu (NM_001127510.3, NM_001354895.2); c.4567C>G, p.Gln1523Glu (NM_001127511.3); c.4675C>G, p.Gln1559Glu (NM_001354896.2); c.4651C>G, p.Gln1551Glu (NM_001354897.2); c.4546C>G, p.Gln1516Glu (NM_001354898.2); c.4537C>G, p.Gln1513Glu (NM_001354899.2); c.4498C>G, p.Gln1500Glu (NM_001354900.2); c.4444C>G, p.Gln1482Glu (NM_001354901.2); and 5 more; short protein forms Q1381E, Q1440E, Q1482E, Q1523E, Q1450E, Q1541E, Q1415E, Q1500E.
Identifiers: ClinVar variation 933996 (VCV000933996.11), dbSNP rs786201801, ClinGen allele CA16031455.

ClinVar aggregate classification (germline): Uncertain significance (1 of 4 stars; one submission).

Conditions:
Familial adenomatous polyposis 1 (FAP1). Also called: POLYPOSIS, ADENOMATOUS INTESTINAL; FAMILIAL ADENOMATOUS POLYPOSIS 1, ATTENUATED. Identifiers: MedGen C2713442, MONDO:0021056, OMIM 175100. Disease mechanism: loss of function.

Submission:

Labcorp Genetics (formerly Invitae), Labcorp
Classification: Uncertain significance for Familial adenomatous polyposis 1. Last evaluated: 2019-07-18. Review status: criteria provided, single submitter. Criteria: Invitae Variant Classification Sherloc (09022015). Collection method: clinical testing. Allele origin: germline.
Comment: This sequence change replaces glutamine with glutamic acid at codon 1541 of the APC protein (p.Gln1541Glu). The glutamine residue is highly conserved and there is a small physicochemical difference between glutamine and glutamic acid. In summary, the available evidence is currently insufficient to determine the role of this variant in disease. Therefore, it has been classified as a Variant of Uncertain Significance. Algorithms developed to predict the effect of missense changes on protein structure and function (SIFT, PolyPhen-2, Align-GVGD) all suggest that this variant is likely to be tolerated, but these predictions have not been confirmed by published functional studies and their clinical significance is uncertain. This variant has not been reported in the literature in individuals with APC-related conditions. This variant is not present in population databases (ExAC no frequency).